The following is an entry in ClinVar:

NM_002047.4(GARS1):c.969T>G (p.Ala323=)

Gene: GARS1 (glycyl-tRNA synthetase 1; plus strand). Cytogenetic location: 7p14.3.
Variant type: single nucleotide variant.
Coding change: c.969T>G on transcript NM_002047.4 (MANE Select); coding-DNA position 969, T replaced by G.
Protein change: p.Ala323=; no amino-acid change (alanine 323 retained).
Molecular consequence: synonymous variant.
Genome position (GRCh38, 1-based): chr7:30,612,183, T>G. VCF-style: chr7-30612183-T-G. GRCh37 (hg19) VCF-style: chr7-30651799-T-G.
Other names: c.969T>G (NM_002047.3); c.807T>G, p.Ala269= (NM_001316772.1).
Identifiers: ClinVar variation 2913200 (VCV002913200.5), dbSNP rs2534305985, ClinGen allele CA454247017.

ClinVar aggregate classification (germline): Likely benign. Review status: criteria provided, single submitter (1 of 4 stars). 2 submissions from 2 submitters: Likely benign (1). 1 of the submissions does not count toward it. Last evaluated 2024-01-06.

Conditions:
Charcot-Marie-Tooth disease type 2. Also called: Charcot-Marie-Tooth type 2. Identifiers: Orphanet 64746, MedGen C0270914, MONDO:0018993.
GARS1-related disorder. Also called: GARS1-related condition.

gnomAD v4.1: 1 of 1,614,168 alleles (0.000062%); no homozygotes.

Submissions (2):

Labcorp Genetics (formerly Invitae), Labcorp
Classification: Likely benign for Charcot-Marie-Tooth disease type 2. Last evaluated: 2024-01-06. Review status: criteria provided, single submitter. Criteria: Invitae Variant Classification Sherloc (09022015). Collection method: clinical testing. Allele origin: germline.

PreventionGenetics, part of Exact Sciences
Classification: Likely benign for GARS1-related condition. Last evaluated: 2019-03-13. Review status: no assertion criteria provided. Collection method: clinical testing. Allele origin: germline. Not counted in ClinVar's aggregate classification.
Comment: This variant is classified as likely benign based on ACMG/AMP sequence variant interpretation guidelines (Richards et al. 2015 PMID: 25741868, with internal and published modifications).